The following is an entry in ClinVar:

NM_006767.4(LZTR1):c.651+3G>A

Gene: LZTR1 (leucine zipper like post translational regulator 1; plus strand). Cytogenetic location: 22q11.21.
Variant type: single nucleotide variant.
Coding change: c.651+3G>A on transcript NM_006767.4 (MANE Select); 3 bases into the intron after coding-DNA position 651, G replaced by A.
Molecular consequence: intron variant.
Genome position (GRCh38, 1-based): chr22:20,989,685, G>A. VCF-style: chr22-20989685-G-A. GRCh37 (hg19) VCF-style: chr22-21343974-G-A.
Other names: c.651+3G>A (NM_006767.3).
Identifiers: ClinVar variation 2885807 (VCV002885807.6), dbSNP rs1476177741, ClinGen allele CA751579169.

ClinVar aggregate classification (germline): Uncertain significance. Review status: criteria provided, multiple submitters, no conflicts (2 of 4 stars). 3 submissions from 3 submitters: Uncertain significance (2). 1 of the submissions does not count toward it. Last evaluated 2025-10-14.

Conditions:
Hereditary cancer-predisposing syndrome. Also called: Neoplastic Syndromes, Hereditary; Hereditary neoplastic syndrome; Tumor predisposition; Hereditary Cancer Syndrome. Identifiers: Orphanet 140162, MedGen C0027672, MeSH D009386, MONDO:0015356.
Cardiovascular phenotype. Identifiers: MedGen CN230736.
LZTR1-related disorder. Also called: LZTR1-related disorders; LZTR1-related condition.

Allele frequency attached by ClinVar (database versions not stated): gnomAD exomes below 0.00001; gnomAD 0.00001.
gnomAD v4.1: 2 of 1,606,330 alleles (0.00012%); highest among the groups gnomAD compares: African/African-American, 0.0013%; no homozygotes.

Submissions (3):

Labcorp Genetics (formerly Invitae), Labcorp
Classification: Uncertain significance. Last evaluated: 2025-10-14. Review status: criteria provided, single submitter. Criteria: Invitae Variant Classification Sherloc (09022015). Collection method: clinical testing. Allele origin: germline.
Comment: This sequence change falls in intron 7 of the LZTR1 gene. It does not directly change the encoded amino acid sequence of the LZTR1 protein. It affects a nucleotide within the consensus splice site. This variant is not present in population databases (gnomAD no frequency). This variant has not been reported in the literature in individuals affected with LZTR1-related conditions. ClinVar contains an entry for this variant (Variation ID: 2885807). Variants that disrupt the consensus splice site are a relatively common cause of aberrant splicing (PMID: 17576681, 9536098). Algorithms developed to predict the effect of sequence changes on RNA splicing suggest that this variant is not likely to affect RNA splicing. In summary, the available evidence is currently insufficient to determine the role of this variant in disease. Therefore, it has been classified as a Variant of Uncertain Significance.

Ambry Genetics
Classification: Uncertain significance for Cardiovascular phenotype; Hereditary cancer-predisposing syndrome. Last evaluated: 2024-07-30. Review status: criteria provided, single submitter. Criteria: Ambry Variant Classification Scheme 2023. Collection method: clinical testing. Allele origin: germline.
Comment: The c.651+3G>A intronic variant results from a G to A substitution 3 nucleotides after coding exon 7 in the LZTR1 gene. This nucleotide position is not well conserved in available vertebrate species. In silico splice site analysis predicts that this alteration will not have any significant effect on splicing. Based on the available evidence, the clinical significance of this variant remains unclear.

PreventionGenetics, part of Exact Sciences
Classification: Likely benign for LZTR1-related condition. Last evaluated: 2022-01-10. Review status: no assertion criteria provided. Collection method: clinical testing. Allele origin: germline. Not counted in ClinVar's aggregate classification.
Comment: This variant is classified as likely benign based on ACMG/AMP sequence variant interpretation guidelines (Richards et al. 2015 PMID: 25741868, with internal and published modifications).

Literature cited by the submitters: PubMed 17576681 (cited by Labcorp Genetics (formerly Invitae), Labcorp); PubMed 9536098 (cited by Labcorp Genetics (formerly Invitae), Labcorp).